The following is an entry in ClinVar:

NM_001083116.3(PRF1):c.82C>G (p.Arg28Gly)

Gene: PRF1 (perforin 1; minus strand). Cytogenetic location: 10q22.1.
Variant type: single nucleotide variant.
Coding change: c.82C>G on transcript NM_001083116.3 (MANE Select); coding-DNA position 82, C replaced by G.
Protein change: p.Arg28Gly; replaces arginine 28 with glycine.
Molecular consequence: missense variant.
Genome position (GRCh38, 1-based): chr10:70,600,821, G>C on the plus strand (C>G on the coding strand, the complement: PRF1 is on the minus strand). VCF-style: chr10-70600821-G-C. GRCh37 (hg19) VCF-style: chr10-72360577-G-C.
Other names: c.82C>G, p.Arg28Gly (NM_005041.6); short protein forms R28G.
Identifiers: ClinVar variation 948898 (VCV000948898.9), dbSNP rs141660796, ClinGen allele CA376960134.

ClinVar aggregate classification (germline): Uncertain significance (1 of 4 stars; one submission).

Conditions:
Familial hemophagocytic lymphohistiocytosis 2 (FHL2). Also called: PRF1-Related Familial Hemophagocytic Lymphohistiocytosis (PRF1-fHLH). Identifiers: Orphanet 540, MedGen C1863727, MONDO:0011337, OMIM 603553.

Submission:

Labcorp Genetics (formerly Invitae), Labcorp
Classification: Uncertain significance for Familial hemophagocytic lymphohistiocytosis 2. Last evaluated: 2019-06-04. Review status: criteria provided, single submitter. Criteria: Invitae Variant Classification Sherloc (09022015). Collection method: clinical testing. Allele origin: germline.
Comment: This variant has not been reported in the literature in individuals with PRF1-related conditions. Algorithms developed to predict the effect of missense changes on protein structure and function (SIFT, PolyPhen-2, Align-GVGD) all suggest that this variant is likely to be tolerated, but these predictions have not been confirmed by published functional studies and their clinical significance is uncertain. In summary, the available evidence is currently insufficient to determine the role of this variant in disease. Therefore, it has been classified as a Variant of Uncertain Significance. This variant is not present in population databases (ExAC no frequency). This sequence change replaces arginine with glycine at codon 28 of the PRF1 protein (p.Arg28Gly). The arginine residue is moderately conserved and there is a moderate physicochemical difference between arginine and glycine.